The following is an entry in ClinVar:

NM_183357.3(ADCY5):c.2780T>A (p.Ile927Asn)

Gene: ADCY5 (adenylate cyclase 5; minus strand). Cytogenetic location: 3q21.1.
Variant type: single nucleotide variant.
Coding change: c.2780T>A on transcript NM_183357.3 (MANE Select); coding-DNA position 2780, T replaced by A.
Protein change: p.Ile927Asn; replaces isoleucine 927 with asparagine.
Molecular consequence: missense variant.
Genome position (GRCh38, 1-based): chr3:123,300,240, A>T on the plus strand (T>A on the coding strand, the complement: ADCY5 is on the minus strand). VCF-style: chr3-123300240-A-T. GRCh37 (hg19) VCF-style: chr3-123019087-A-T.
Other names: c.1730T>A, p.Ile577Asn (NM_001199642.1); c.2780T>A, p.Ile927Asn (NM_001378259.1); short protein forms I577N, I927N.
Identifiers: ClinVar variation 1952844 (VCV001952844.4), dbSNP rs145879372, ClinGen allele CA2576990.

ClinVar aggregate classification (germline): Uncertain significance (1 of 4 stars; one submission).

Allele frequency attached by ClinVar (database versions not stated): gnomAD 0.00003; ExAC 0.00005; ESP Exome Variant Server 0.00008.
gnomAD v4.1: 29 of 1,613,612 alleles (0.0018%); highest among the groups gnomAD compares: Admixed American, 0.033%; no homozygotes.

Submission:

Labcorp Genetics (formerly Invitae), Labcorp
Classification: Uncertain significance. Last evaluated: 2024-11-15. Review status: criteria provided, single submitter. Criteria: Invitae Variant Classification Sherloc (09022015). Collection method: clinical testing. Allele origin: germline.
Comment: This sequence change replaces isoleucine, which is neutral and non-polar, with asparagine, which is neutral and polar, at codon 927 of the ADCY5 protein (p.Ile927Asn). This variant is present in population databases (rs145879372, gnomAD 0.04%). This variant has not been reported in the literature in individuals affected with ADCY5-related conditions. ClinVar contains an entry for this variant (Variation ID: 1952844). Invitae Evidence Modeling of protein sequence and biophysical properties (such as structural, functional, and spatial information, amino acid conservation, physicochemical variation, residue mobility, and thermodynamic stability) has been performed for this missense variant. However, the output from this modeling did not meet the statistical confidence thresholds required to predict the impact of this variant on ADCY5 protein function. In summary, the available evidence is currently insufficient to determine the role of this variant in disease. Therefore, it has been classified as a Variant of Uncertain Significance.